The following is an entry in ClinVar:

NM_004086.3(COCH):c.1553A>G (p.Glu518Gly)

Genes: COCH (cochlin; plus strand), COCH-AS1 (COCH antisense RNA 1; minus strand). Cytogenetic location: 14q12.
Variant type: single nucleotide variant.
Coding change: c.1553A>G on transcript NM_004086.3 (MANE Select); coding-DNA position 1553, A replaced by G.
Protein change: p.Glu518Gly; replaces glutamic acid 518 with glycine.
Molecular consequence: missense variant. On other transcripts: non-coding transcript variant (1).
Genome position (GRCh38, 1-based): chr14:30,889,691, A>G. VCF-style: chr14-30889691-A-G. GRCh37 (hg19) VCF-style: chr14-31358897-A-G.
Other names: c.1553A>G, p.Glu518Gly (NM_001135058.2); c.1748A>G, p.Glu583Gly (NM_001347720.2); short protein forms E518G, E583G.
Identifiers: ClinVar variation 162972 (VCV000162972.20), dbSNP rs17097468, ClinGen allele CA175555.
Genomic context (GRCh38, chr14:30,889,691, plus strand): 5'-CTGTTGGTGTGGCTTGGGCACCTCTGGATGACCTGAAAGATATGGCTTCTAAACCGAAGG[A>G]GTCTCATGCTTTCTTCACAAGAGAGTTCACAGGATTAGAACCAATTGTTTCTGATGTCAT-3'
Protein context (NP_004077.1, residues 508-528): DLKDMASKPK[Glu518Gly]SHAFFTREFT

ClinVar aggregate classification (germline): Benign/Likely benign. Review status: criteria provided, multiple submitters, no conflicts (2 of 4 stars). 7 submissions from 7 submitters: Benign (6); Likely benign (1). Last evaluated 2026-01-27.

Conditions:
Autosomal dominant nonsyndromic hearing loss 9. Identifiers: Orphanet 90635, MedGen C1832425, MONDO:0011058, OMIM 601369.

Allele frequency attached by ClinVar (database versions not stated): gnomAD exomes 0.00059 and 0.00153; ExAC 0.00196; gnomAD 0.00570 and 0.00602; ESP Exome Variant Server 0.00630; TOPMed 0.00650; 1000 Genomes Project 0.00839; 1000 Genomes Project 30x 0.00859.
gnomAD v4.1: 1,798 of 1,613,950 alleles (0.11%); highest among the groups gnomAD compares: African/African-American, 2%; 25 homozygotes.

Submissions (7):

Labcorp Genetics (formerly Invitae), Labcorp
Classification: Benign. Last evaluated: 2026-01-27. Review status: criteria provided, single submitter. Criteria: Invitae Variant Classification Sherloc (09022015). Collection method: clinical testing. Allele origin: germline.

Blueprint Genetics
Classification: Likely benign. Last evaluated: 2024-11-04. Review status: criteria provided, single submitter. Criteria: ACMG Guidelines, 2015. Collection method: clinical testing. Allele origin: germline.

Mayo Clinic Laboratories, Mayo Clinic
Classification: Benign. Last evaluated: 2024-10-24. Review status: criteria provided, single submitter. Criteria: ACMG Guidelines, 2015. Collection method: clinical testing. Allele origin: germline. Observed: 1 variant allele.
Comment: BA1, BS2, BP5

GeneDx
Classification: Benign. Last evaluated: 2018-09-10. Review status: criteria provided, single submitter. Criteria: GeneDx Variant Classification Process June 2021. Collection method: clinical testing. Allele origin: germline. Affected: yes.

Illumina Laboratory Services, Illumina
Classification: Benign for Autosomal dominant nonsyndromic hearing loss 9. Last evaluated: 2018-01-13. Review status: criteria provided, single submitter. Criteria: ICSL Variant Classification Criteria 13 December 2019. Collection method: clinical testing. Allele origin: germline.
Comment: This variant was observed in the ICSL laboratory as part of a predisposition screen in an ostensibly healthy population. It had not been previously curated by ICSL or reported in the Human Gene Mutation Database (HGMD: prior to June 1st, 2018), and was therefore a candidate for classification through an automated scoring system. Utilizing variant allele frequency, disease prevalence and penetrance estimates, and inheritance mode, an automated score was calculated to assess if this variant is too frequent to cause the disease. Based on the score and internal cut-off values, a variant classified as benign is not then subjected to further curation. The score for this variant resulted in a classification of benign for this disease.

Laboratory for Molecular Medicine, Mass General Brigham Personalized Medicine
Classification: Benign. Last evaluated: 2012-05-07. Review status: criteria provided, single submitter. Criteria: LMM Criteria. Collection method: clinical testing. Allele origin: germline. Observed: 11 variant alleles.
Comment: Glu518Gly in Exon 12 of COCH: This variant is not expected to have clinical sign ificance because it has been identified in 2.0% (75/3738) of African American ch romosomes from a broad population by the NHLBI Exome Sequencing Project (dbSNP rs17097468).

Breakthrough Genomics
Classification: Benign. Review status: criteria provided, single submitter. Criteria: ACMG Guidelines, 2015. Collection method: not provided. Allele origin: germline. Inheritance: Autosomal recessive inheritance. Affected: yes.